The following is an entry in ClinVar:

NM_000368.5(TSC1):c.2463_2466del (p.Cys822fs)

Gene: TSC1 (TSC complex subunit 1; minus strand). Cytogenetic location: 9q34.13.
Variant type: Microsatellite.
Coding change: c.2463_2466del on transcript NM_000368.5 (MANE Select); coding-DNA positions 2463 to 2466, 4 bases deleted (GTGT; older notation c.2463_2466delGTGT).
Protein change: p.Cys822fs; shifts the reading frame from cysteine 822.
Molecular consequence: frameshift variant. On other transcripts: non-coding transcript variant (5), splice donor variant (8).
Genome position (GRCh38, 1-based): chr9:132,901,625-132,901,628, ACAC deleted on the plus strand (GTGT on the coding strand, the reverse complement: TSC1 is on the minus strand); deleting any 4 consecutive bases within chr9:132,901,625-132,901,630 gives the same sequence; the c. name uses the placement nearest the transcript's 3' end. VCF-style (leftmost placement, unchanged base first): chr9-132901624-GACAC-G. GRCh37 (hg19) VCF-style: chr9-135777011-GACAC-G.
Other names: c.2097_2100del, p.Cys700fs (NM_001406621.1, NM_001406620.1, NM_001406622.1 and 1 more transcripts); c.2100_2103del, p.Cys701fs (NM_001406619.1, NM_001406614.1, NM_001406615.1 and 4 more transcripts); c.2445_2448del, p.Cys816fs (NM_001406604.1, NM_001406603.1); c.2310_2313del, p.Cys771fs (NM_001406610.1, NM_001162427.2); c.2307_2310del, p.Cys770fs (NM_001406611.1, NM_001406612.1); c.1512_1515del, p.Cys505fs (NM_001406626.1); c.1509_1512del, p.Cys504fs (NM_001406627.1, NM_001406628.1); c.2460_2463del, p.Cys821fs (NM_001162426.2, NM_001406597.1, NM_001406598.1 and 2 more transcripts); and 8 more; short protein forms C471fs, C771fs, C822fs, C504fs, C701fs, C816fs, C821fs, C505fs.
Identifiers: ClinVar variation 2692738 (VCV002692738.3), dbSNP rs118203694, ClinGen allele CA2697558119.
Genomic context (GRCh38, chr9:132,901,624, plus strand): 5'-TCAGGTCTGCCTCATTTCTTCTTACCTTTTGGGAAACCTGACTGAGCAGCAGCTCAGTGT[GACAC>G]ACCTTGTTGTTGGCCTTCTTCAGTTCTATCCGCAGCTCCGCAATCATGTTCCTGCAGTCC-3'

ClinVar aggregate classification (germline): Pathogenic (1 of 4 stars; one submission).

Conditions:
Tuberous sclerosis 1 (TSC1). Identifiers: Orphanet 805, MedGen C1854465, MONDO:0008612, OMIM 191100.

Submission:

Labcorp Genetics (formerly Invitae), Labcorp
Classification: Pathogenic for Tuberous sclerosis 1. Last evaluated: 2023-11-02. Review status: criteria provided, single submitter. Criteria: Invitae Variant Classification Sherloc (09022015). Collection method: clinical testing. Allele origin: germline.
Comment: This sequence change creates a premature translational stop signal (p.Cys822Thrfs*26) in the TSC1 gene. It is expected to result in an absent or disrupted protein product. Loss-of-function variants in TSC1 are known to be pathogenic (PMID: 10227394, 17304050). This variant is not present in population databases (gnomAD no frequency). This variant has not been reported in the literature in individuals affected with TSC1-related conditions. For these reasons, this variant has been classified as Pathogenic.

Literature cited by the submitters: PubMed 10227394; PubMed 17304050.